The following is an entry in ClinVar:

NM_001540.5(HSPB1):c.379C>A (p.Arg127=)

Gene: HSPB1 (heat shock protein family B (small) member 1; plus strand). Cytogenetic location: 7q11.23.
Variant type: single nucleotide variant.
Coding change: c.379C>A on transcript NM_001540.5 (MANE Select); coding-DNA position 379, C replaced by A.
Protein change: p.Arg127=; no amino-acid change (arginine 127 retained).
Molecular consequence: synonymous variant.
Genome position (GRCh38, 1-based): chr7:76,303,816, C>A. VCF-style: chr7-76303816-C-A. GRCh37 (hg19) VCF-style: chr7-75933133-C-A.
Identifiers: ClinVar variation 935664 (VCV000935664.7), dbSNP rs29001571, ClinGen allele CA456330457.
Genomic context (GRCh38, chr7:76,303,816, plus strand): 5'-AGGCAGTCCCCTCCCCCGCAGTCTGATTTCCCTCTTCCCCCCAAAGGCAAGCACGAGGAG[C>A]GGCAGGACGAGCATGGCTACATCTCCCGGTGCTTCACGCGGAAATACACGTGAGTCCTGG-3'
Protein context (NP_001531.1, residues 117-137): VVEITGKHEE[Arg127=]QDEHGYISRC

ClinVar aggregate classification (germline): Uncertain significance (1 of 4 stars; one submission).

Conditions:
Charcot-Marie-Tooth disease axonal type 2F (CMT2F). Also called: Charcot-Marie-Tooth Neuropathy Type 2F; CHARCOT-MARIE-TOOTH DISEASE, NEURONAL, TYPE 2F. Identifiers: Orphanet 99940, MedGen C1847823, MONDO:0011687, OMIM 606595.

Allele frequency attached by ClinVar (database versions not stated): gnomAD exomes 0.00001 and 0.00009; gnomAD 0.00003; TOPMed 0.00004.
gnomAD v4.1: 124 of 1,583,972 alleles (0.0078%); highest among the groups gnomAD compares: Non-Finnish European, 0.01%; no homozygotes.

Submission:

Labcorp Genetics (formerly Invitae), Labcorp
Classification: Uncertain significance for Charcot-Marie-Tooth disease axonal type 2F. Last evaluated: 2026-01-18. Review status: criteria provided, single submitter. Criteria: Invitae Variant Classification Sherloc (09022015). Collection method: clinical testing. Allele origin: germline.
Comment: This sequence change affects codon 127 of the HSPB1 mRNA. It is a 'silent' change, meaning that it does not change the encoded amino acid sequence of the HSPB1 protein. This variant is present in population databases (no rsID available, gnomAD 0.002%). This variant has been observed in individual(s) with hereditary motor neuropathy (PMID: 18832141). ClinVar contains an entry for this variant (Variation ID: 935664). Algorithms developed to predict the effect of sequence changes on RNA splicing suggest that this variant is not likely to affect RNA splicing. In summary, the available evidence is currently insufficient to determine the role of this variant in disease. Therefore, it has been classified as a Variant of Uncertain Significance.

Literature cited by the submitters: PubMed 18832141.